The following is an entry in ClinVar:

NM_012193.4(FZD4):c.524T>G (p.Ile175Ser)

Genes: FZD4 (frizzled class receptor 4; minus strand), PRSS23 (serine protease 23; plus strand). Cytogenetic location: 11q14.2.
Variant type: single nucleotide variant.
Coding change: c.524T>G on transcript NM_012193.4 (MANE Select); coding-DNA position 524, T replaced by G.
Protein change: p.Ile175Ser; replaces isoleucine 175 with serine.
Molecular consequence: missense variant. On other transcripts: non-coding transcript variant (2).
Genome position (GRCh38, 1-based): chr11:86,952,232, A>C on the plus strand (T>G on the coding strand, the complement: FZD4 is on the minus strand). VCF-style: chr11-86952232-A-C. GRCh37 (hg19) VCF-style: chr11-86663274-A-C.
Other names: short protein forms I175S.
Identifiers: ClinVar variation 1014407 (VCV001014407.8), dbSNP rs1453807311, ClinGen allele CA382015811.

ClinVar aggregate classification (germline): Uncertain significance (1 of 4 stars; one submission).

Submission:

Labcorp Genetics (formerly Invitae), Labcorp
Classification: Uncertain significance. Last evaluated: 2022-09-13. Review status: criteria provided, single submitter. Criteria: Invitae Variant Classification Sherloc (09022015). Collection method: clinical testing. Allele origin: germline.
Comment: In summary, the available evidence is currently insufficient to determine the role of this variant in disease. Therefore, it has been classified as a Variant of Uncertain Significance. Algorithms developed to predict the effect of sequence changes on RNA splicing suggest that this variant may create or strengthen a splice site. This sequence change replaces isoleucine, which is neutral and non-polar, with serine, which is neutral and polar, at codon 175 of the FZD4 protein (p.Ile175Ser). This variant is present in population databases (no rsID available, gnomAD 0.007%). This variant has not been reported in the literature in individuals affected with FZD4-related conditions. ClinVar contains an entry for this variant (Variation ID: 1014407). Advanced modeling of protein sequence and biophysical properties (such as structural, functional, and spatial information, amino acid conservation, physicochemical variation, residue mobility, and thermodynamic stability) performed at Invitae indicates that this missense variant is not expected to disrupt FZD4 protein function.